The following is an entry in ClinVar:

NM_153460.4(IL17RC):c.106-131del

Gene: IL17RC (interleukin 17 receptor C; plus strand). Cytogenetic location: 3p25.3.
Variant type: Deletion.
Coding change: c.106-131del on transcript NM_153460.4 (MANE Select); 131 bases into the intron before coding-DNA position 106, one base deleted (C; older notation c.106-131delC).
Molecular consequence: intron variant. On other transcripts: frameshift variant (1).
Genome position (GRCh38, 1-based): chr3:9,917,582, C deleted. VCF-style (leftmost placement, unchanged base first): chr3-9917581-GC-G. GRCh37 (hg19) VCF-style: chr3-9959265-GC-G.
Other names: c.267del, p.Trp90fs (NM_153461.4); c.106-131del (NM_001203263.2, NM_001203264.2, NM_001367278.1 and 4 more transcripts); short protein forms W90fs.
Identifiers: ClinVar variation 1035290 (VCV001035290.5), dbSNP rs2083190770, ClinGen allele CA1344953585.

ClinVar aggregate classification (germline): Uncertain significance (1 of 4 stars; one submission).

Conditions:
Candidiasis, familial, 9 (CANDF9). Identifiers: Orphanet 1334, MedGen C4225324, MONDO:0014642, OMIM 616445.

Allele frequency attached by ClinVar (database versions not stated): TOPMed 0.00002.

Submission:

Labcorp Genetics (formerly Invitae), Labcorp
Classification: Uncertain significance for Candidiasis, familial, 9. Last evaluated: 2024-12-24. Review status: criteria provided, single submitter. Criteria: Invitae Variant Classification Sherloc (09022015). Collection method: clinical testing. Allele origin: germline.
Comment: This sequence change creates a premature translational stop signal (p.Trp90Glyfs*54) in the IL17RC gene. It is expected to result in an absent or disrupted protein product. However, the current clinical and genetic evidence is not sufficient to establish whether loss-of-function variants in IL17RC cause disease. This variant is not present in population databases (gnomAD no frequency). This variant has not been reported in the literature in individuals affected with IL17RC-related conditions. ClinVar contains an entry for this variant (Variation ID: 1035290). In summary, the available evidence is currently insufficient to determine the role of this variant in disease. Therefore, it has been classified as a Variant of Uncertain Significance.